The following is an entry in ClinVar:

NM_001378452.1(ITPR1):c.3080G>T (p.Ser1027Ile)

Gene: ITPR1 (inositol 1,4,5-trisphosphate receptor type 1; plus strand). Cytogenetic location: 3p26.1.
Variant type: single nucleotide variant.
Coding change: c.3080G>T on transcript NM_001378452.1 (MANE Select); coding-DNA position 3080, G replaced by T.
Protein change: p.Ser1027Ile; replaces serine 1027 with isoleucine.
Molecular consequence: missense variant.
Genome position (GRCh38, 1-based): chr3:4,680,665, G>T. VCF-style: chr3-4680665-G-T. GRCh37 (hg19) VCF-style: chr3-4722349-G-T.
Other names: c.3053G>T, p.Ser1018Ile (NM_001099952.4); c.3035G>T, p.Ser1012Ile (NM_001168272.2); c.3008G>T, p.Ser1003Ile (NM_002222.7); short protein forms S1012I, S1027I, S1018I, S1003I.
Identifiers: ClinVar variation 2010106 (VCV002010106.4), dbSNP rs2469785551, ClinGen allele CA351650277.

ClinVar aggregate classification (germline): Uncertain significance (1 of 4 stars; one submission).

Submission:

Labcorp Genetics (formerly Invitae), Labcorp
Classification: Uncertain significance. Last evaluated: 2024-04-08. Review status: criteria provided, single submitter. Criteria: Invitae Variant Classification Sherloc (09022015). Collection method: clinical testing. Allele origin: germline.
Comment: This sequence change replaces serine, which is neutral and polar, with isoleucine, which is neutral and non-polar, at codon 1003 of the ITPR1 protein (p.Ser1003Ile). This variant is not present in population databases (gnomAD no frequency). This variant has not been reported in the literature in individuals affected with ITPR1-related conditions. ClinVar contains an entry for this variant (Variation ID: 2010106). Advanced modeling of protein sequence and biophysical properties (such as structural, functional, and spatial information, amino acid conservation, physicochemical variation, residue mobility, and thermodynamic stability) performed at Invitae indicates that this missense variant is not expected to disrupt ITPR1 protein function with a negative predictive value of 95%. In summary, the available evidence is currently insufficient to determine the role of this variant in disease. Therefore, it has been classified as a Variant of Uncertain Significance.